The following is an entry in ClinVar:

NM_002336.3(LRP6):c.2969G>A (p.Arg990Gln)

Gene: LRP6 (LDL receptor related protein 6; minus strand). Cytogenetic location: 12p13.2.
Variant type: single nucleotide variant.
Coding change: c.2969G>A on transcript NM_002336.3 (MANE Select); coding-DNA position 2969, G replaced by A.
Protein change: p.Arg990Gln; replaces arginine 990 with glutamine.
Molecular consequence: missense variant.
Genome position (GRCh38, 1-based): chr12:12,150,861, C>T on the plus strand (G>A on the coding strand, the complement: LRP6 is on the minus strand). VCF-style: chr12-12150861-C-T. GRCh37 (hg19) VCF-style: chr12-12303795-C-T.
Other names: c.2969G>A, p.Arg990Gln (NM_001414244.1, NM_001414245.1, NM_001414246.1 and 4 more transcripts); c.2771G>A, p.Arg924Gln (NM_001414247.1); c.2516G>A, p.Arg839Gln (NM_001414252.1, NM_001414253.1, NM_001414254.1); c.2462G>A, p.Arg821Gln (NM_001414255.1); short protein forms R821Q, R990Q, R924Q, R839Q.
Identifiers: ClinVar variation 1955578 (VCV001955578.5), dbSNP rs756936124, ClinGen allele CA232989107.

ClinVar aggregate classification (germline): Uncertain significance (1 of 4 stars; one submission).

Allele frequency attached by ClinVar (database versions not stated): ExAC 0.00001; gnomAD 0.00001; TOPMed 0.00001; gnomAD exomes 0.00002.
gnomAD v4.1: 29 of 1,613,808 alleles (0.0018%); highest among the groups gnomAD compares: African/African-American, 0.004%; no homozygotes.

Submission:

Labcorp Genetics (formerly Invitae), Labcorp
Classification: Uncertain significance. Last evaluated: 2022-05-28. Review status: criteria provided, single submitter. Criteria: Invitae Variant Classification Sherloc (09022015). Collection method: clinical testing. Allele origin: germline.
Comment: Algorithms developed to predict the effect of missense changes on protein structure and function (SIFT, PolyPhen-2, Align-GVGD) all suggest that this variant is likely to be disruptive. In summary, the available evidence is currently insufficient to determine the role of this variant in disease. Therefore, it has been classified as a Variant of Uncertain Significance. This variant has not been reported in the literature in individuals affected with LRP6-related conditions. This variant is present in population databases (rs756936124, gnomAD 0.004%). This sequence change replaces arginine, which is basic and polar, with glutamine, which is neutral and polar, at codon 990 of the LRP6 protein (p.Arg990Gln).